The following is an entry in ClinVar:

ClinVar aggregate classification (germline): Conflicting classifications of pathogenicity. Review status: criteria provided, conflicting classifications (1 of 4 stars). 2 submissions from 2 submitters: Uncertain significance (1); Likely benign (1). Last evaluated 2025-12-19.

Conditions:
Cardiovascular phenotype. Identifiers: MedGen CN230736.
Dilated cardiomyopathy 1DD (CMD1DD). Identifiers: Orphanet 154, MedGen C2750995, MONDO:0013168, OMIM 613172.

Allele frequency attached by ClinVar (database versions not stated): TOPMed below 0.00001; gnomAD exomes 0.00001.
gnomAD v4.1: 1 of 1,551,644 alleles (0.000064%); highest among the groups gnomAD compares: Admixed American, 0.002%; no homozygotes.

Submissions (2):

Labcorp Genetics (formerly Invitae), Labcorp
Classification: Likely benign for Dilated cardiomyopathy 1DD. Last evaluated: 2025-12-19. Review status: criteria provided, single submitter. Criteria: Invitae Variant Classification Sherloc (09022015). Collection method: clinical testing. Allele origin: germline.

Ambry Genetics
Classification: Uncertain significance for Cardiovascular phenotype. Last evaluated: 2025-06-10. Review status: criteria provided, single submitter. Criteria: Ambry Variant Classification Scheme 2023. Collection method: clinical testing. Allele origin: germline.
Comment: The p.G663D variant (also known as c.1988G>A), located in coding exon 9 of the RBM20 gene, results from a G to A substitution at nucleotide position 1988. The glycine at codon 663 is replaced by aspartic acid, an amino acid with similar properties. This amino acid position is not well conserved in available vertebrate species. In addition, this alteration is predicted to be tolerated by in silico analysis. Based on the available evidence, the clinical significance of this variant remains unclear.

NM_001134363.3(RBM20):c.1988G>A (p.Gly663Asp)

Gene: RBM20 (RNA binding motif protein 20; plus strand). Cytogenetic location: 10q25.2.
Variant type: single nucleotide variant.
Coding change: c.1988G>A on transcript NM_001134363.3 (MANE Select); coding-DNA position 1988, G replaced by A.
Protein change: p.Gly663Asp; replaces glycine 663 with aspartic acid.
Molecular consequence: missense variant.
Genome position (GRCh38, 1-based): chr10:110,812,385, G>A. VCF-style: chr10-110812385-G-A. GRCh37 (hg19) VCF-style: chr10-112572143-G-A.
Other names: c.1988G>A (NM_001134363.1); short protein forms G663D.
Identifiers: ClinVar variation 220884 (VCV000220884.11), dbSNP rs864622685, ClinGen allele CA348688.
Genomic context (GRCh38, chr10:110,812,385, plus strand): 5'-TCTCCCCGAGGTCCCACACTCCCAGCTTCACCTCCTGCAGCTCTTCCCACAGCCCTCCGG[G>A]CCCCTCCCGGGCTGACTGGGGCAATGGCCGGGACTCCTGGGAGCACTCTCCCTATGCCAG-3'
Protein context (NP_001127835.2, residues 653-673): TSCSSSHSPP[Gly663Asp]PSRADWGNGR